The following is an entry in ClinVar:

ClinVar aggregate classification (germline): Likely pathogenic (1 of 4 stars; one submission).

Conditions:
Very long chain acyl-CoA dehydrogenase deficiency (ACADVLD). Also called: Very Long-Chain Acyl-Coenzyme A Dehydrogenase Deficiency; VLCAD Deficiency. Identifiers: Orphanet 26793, MedGen C3887523, MONDO:0008723, OMIM 201475.

Allele frequency attached by ClinVar (database versions not stated): TOPMed 0.00001.
gnomAD v4.1: 2 of 1,614,118 alleles (0.00012%); highest among the groups gnomAD compares: Non-Finnish European, 0.00017%; no homozygotes.

Submission:

Labcorp Genetics (formerly Invitae), Labcorp
Classification: Likely pathogenic for Very long chain acyl-CoA dehydrogenase deficiency. Last evaluated: 2025-10-29. Review status: criteria provided, single submitter. Criteria: Invitae Variant Classification Sherloc (09022015). Collection method: clinical testing. Allele origin: germline.
Comment: This sequence change replaces histidine, which is basic and polar, with proline, which is neutral and non-polar, at codon 374 of the ACADVL protein (p.His374Pro). This variant is not present in population databases (gnomAD no frequency). This missense change has been observed in individual(s) with very long-chain acyl-CoA dehydrogenase deficiency (PMID: 30194637). ClinVar contains an entry for this variant (Variation ID: 2884065). Invitae Evidence Modeling of protein sequence and biophysical properties (such as structural, functional, and spatial information, amino acid conservation, physicochemical variation, residue mobility, and thermodynamic stability) has been performed for this missense variant. However, the output from this modeling did not meet the statistical confidence thresholds required to predict the impact of this variant on ACADVL protein function. In summary, the currently available evidence indicates that the variant is pathogenic, but additional data are needed to prove that conclusively. Therefore, this variant has been classified as Likely Pathogenic.

Literature cited by the submitters: PubMed 30194637.

NM_000018.4(ACADVL):c.1121A>C (p.His374Pro)

Gene: ACADVL (acyl-CoA dehydrogenase very long chain; plus strand). Cytogenetic location: 17p13.1.
Variant type: single nucleotide variant.
Coding change: c.1121A>C on transcript NM_000018.4 (MANE Select); coding-DNA position 1121, A replaced by C.
Protein change: p.His374Pro; replaces histidine 374 with proline.
Molecular consequence: missense variant.
Genome position (GRCh38, 1-based): chr17:7,223,176, A>C. VCF-style: chr17-7223176-A-C. GRCh37 (hg19) VCF-style: chr17-7126495-A-C.
Other names: c.1055A>C, p.His352Pro (NM_001033859.3); c.1190A>C, p.His397Pro (NM_001270447.2); c.893A>C, p.His298Pro (NM_001270448.2); short protein forms H298P, H374P, H352P, H397P.
Identifiers: ClinVar variation 2884065 (VCV002884065.3), dbSNP rs2071313606, ClinGen allele CA397724400.